The following is an entry in ClinVar:

NM_020791.4(TAOK1):c.1478G>A (p.Arg493His)

Gene: TAOK1 (TAO kinase 1; plus strand). Cytogenetic location: 17q11.2.
Variant type: single nucleotide variant.
Coding change: c.1478G>A on transcript NM_020791.4 (MANE Select); coding-DNA position 1478, G replaced by A.
Protein change: p.Arg493His; replaces arginine 493 with histidine.
Molecular consequence: missense variant.
Genome position (GRCh38, 1-based): chr17:29,508,035, G>A. VCF-style: chr17-29508035-G-A. GRCh37 (hg19) VCF-style: chr17-27835053-G-A.
Other names: c.1478G>A, p.Arg493His (NM_025142.1); short protein forms R493H.
Identifiers: ClinVar variation 4874224 (VCV004874224.2).

ClinVar aggregate classification (germline): Likely benign (1 of 4 stars; one submission).

gnomAD v4.1: 48 of 1,614,060 alleles (0.003%); highest among the groups gnomAD compares: East Asian, 0.0045%; no homozygotes.

Submission:

CeGaT Center for Human Genetics Tuebingen
Classification: Likely benign. Last evaluated: 2026-05-01. Review status: criteria provided, single submitter. Criteria: CeGaT Center For Human Genetics Tuebingen Variant Classification Criteria Version 2. Collection method: clinical testing. Allele origin: germline. Affected: yes. Observed: 1 variant allele.
Comment: TAOK1: PP2, BS2